The following is an entry in ClinVar:

NM_001165963.4(SCN1A):c.4002+2161A>G

Genes: SCN1A (sodium voltage-gated channel alpha subunit 1; minus strand), LOC102724058 (uncharacterized LOC102724058; plus strand). Cytogenetic location: 2q24.3.
Variant type: single nucleotide variant.
Coding change: c.4002+2161A>G on transcript NM_001165963.4 (MANE Select); 2161 bases into the intron after coding-DNA position 4002, A replaced by G.
Molecular consequence: intron variant.
Genome position (GRCh38, 1-based): chr2:166,007,558, T>C on the plus strand (A>G on the coding strand, the complement: SCN1A is on the minus strand). VCF-style: chr2-166007558-T-C. GRCh37 (hg19) VCF-style: chr2-166864068-T-C.
Other names: c.3969+2161A>G (NM_001353949.2, NM_001353950.2, NM_001353951.2 and 2 more transcripts); c.3918+2161A>G (NM_001353958.2, NM_001353957.2, NM_001165964.3); c.4002+2161A>G (NM_001202435.3, NM_001353948.2); c.3966+2161A>G (NM_001353955.2, NM_001353954.2); c.3915+2161A>G (NM_001353960.2); c.1560+2161A>G (NM_001353961.2).
Identifiers: ClinVar variation 1392404 (VCV001392404.9), dbSNP rs886825546, ClinGen allele CA59771660.

ClinVar aggregate classification (germline): Uncertain significance (1 of 4 stars; one submission).

Conditions:
Early-infantile DEE. Also called: Early infantile epileptic encephalopathy; Ohtahara syndrome; Early infantile epileptic encephalopathy with suppression bursts. Identifiers: Orphanet 1934, MedGen C0393706, MONDO:0800491.

Allele frequency attached by ClinVar (database versions not stated): TOPMed 0.00001.

Submission:

Labcorp Genetics (formerly Invitae), Labcorp
Classification: Uncertain significance for Early-infantile DEE. Last evaluated: 2026-01-05. Review status: criteria provided, single submitter. Criteria: Invitae Variant Classification Sherloc (09022015). Collection method: clinical testing. Allele origin: germline.
Comment: This sequence change falls in intron 20 of the SCN1A gene. It does not directly change the encoded amino acid sequence of the SCN1A protein. However, this sequence change falls within a region encompassing a cryptic exon in the SCN1A gene, in which variants have been shown to alter splicing (PMID: 30526861, 34107977). This variant is not present in population databases (gnomAD no frequency). This variant has been observed in individuals with clinical features of developmental and epileptic encephalopathy (internal data). ClinVar contains an entry for this variant (Variation ID: 1392404). Algorithms developed to predict the effect of sequence changes on RNA splicing suggest that this variant is not likely to affect RNA splicing. In summary, the available evidence is currently insufficient to determine the role of this variant in disease. Therefore, it has been classified as a Variant of Uncertain Significance.

Literature cited by the submitters: PubMed 30526861; PubMed 34107977.